The following is an entry in ClinVar:

ClinVar aggregate classification (germline): Likely benign. Review status: criteria provided, single submitter (1 of 4 stars). 2 submissions from 2 submitters: Likely benign (1). 1 of the submissions does not count toward it. Last evaluated 2025-03-16.

Conditions:
TTN-related disorder. Also called: TTN-related condition; TTN-related disease; TTN-related disorders.
Dilated cardiomyopathy 1G (CMD1G). Identifiers: Orphanet 154, MedGen C1858763, MONDO:0011400, OMIM 604145.
Autosomal recessive limb-girdle muscular dystrophy type 2J (LGMDR10). Also called: Limb-girdle muscular dystrophy, type 2J; MUSCULAR DYSTROPHY, LIMB-GIRDLE, AUTOSOMAL RECESSIVE 10. Identifiers: Orphanet 140922, MedGen C1837342, MONDO:0012127, OMIM 608807.

Submissions (2):

Labcorp Genetics (formerly Invitae), Labcorp
Classification: Likely benign for Dilated cardiomyopathy 1G; Autosomal recessive limb-girdle muscular dystrophy type 2J. Last evaluated: 2025-03-16. Review status: criteria provided, single submitter. Criteria: Invitae Variant Classification Sherloc (09022015). Collection method: clinical testing. Allele origin: germline.

PreventionGenetics, part of Exact Sciences
Classification: Likely benign for TTN-related condition. Last evaluated: 2022-08-26. Review status: no assertion criteria provided. Collection method: clinical testing. Allele origin: germline. Not counted in ClinVar's aggregate classification.
Comment: This variant is classified as likely benign based on ACMG/AMP sequence variant interpretation guidelines (Richards et al. 2015 PMID: 25741868, with internal and published modifications).

NM_001267550.2(TTN):c.32076G>A (p.Lys10692=)

Gene: TTN (titin; minus strand). Cytogenetic location: 2q31.2.
Variant type: single nucleotide variant.
Coding change: c.32076G>A on transcript NM_001267550.2 (MANE Select); coding-DNA position 32076, G replaced by A.
Protein change: p.Lys10692=; no amino-acid change (lysine 10692 retained).
Molecular consequence: synonymous variant. On other transcripts: intron variant (3).
Genome position (GRCh38, 1-based): chr2:178,689,072, C>T on the plus strand (G>A on the coding strand, the complement: TTN is on the minus strand). VCF-style: chr2-178689072-C-T. GRCh37 (hg19) VCF-style: chr2-179553799-C-T.
Other names: c.31125G>A, p.Lys10375= (NM_001256850.1); c.28344G>A, p.Lys9448= (NM_133378.4); c.13283-46755G>A (NM_003319.4); c.13859-46755G>A (NM_133437.4); c.13658-46755G>A (NM_133432.3).
Identifiers: ClinVar variation 3048195 (VCV003048195.3), dbSNP rs1053754301, ClinGen allele CA60988069.
Genomic context (GRCh38, chr2:178,689,072, plus strand): 5'-TTTTTTTTTTTTTTTTGTCAGAGGATTGAGGCAAATCCTACCTCGGGGAGGAGGAGCTTT[C>T]TTAGCGACAGGAACTGGCACTGCAACTTTCTCCTCTGGGACGGGTTTCTTAGGCAGAGCT-3'
Protein context (NP_001254479.2, residues 10682-10702): EKVAVPVPVA[Lys10692=]KAPPPRAEVS